The following is an entry in ClinVar:

ClinVar aggregate classification (germline): Likely benign. Review status: criteria provided, single submitter (1 of 4 stars). 2 submissions from 2 submitters: Likely benign (1). 1 of the submissions does not count toward it. Last evaluated 2026-07-01.

Conditions:
ZNFX1-related disorder. Also called: ZNFX1-related condition.

Allele frequency attached by ClinVar (database versions not stated): ESP Exome Variant Server 0.00023; TOPMed 0.00039; gnomAD 0.00058; gnomAD exomes 0.00076; ExAC 0.00130; 1000 Genomes Project 30x 0.00203; 1000 Genomes Project 0.00240.
gnomAD v4.1: 1,190 of 1,614,224 alleles (0.074%); highest among the groups gnomAD compares: South Asian, 0.66%; 8 homozygotes.

Submissions (2):

CeGaT Center for Human Genetics Tuebingen
Classification: Likely benign. Last evaluated: 2026-07-01. Review status: criteria provided, single submitter. Criteria: CeGaT Center For Human Genetics Tuebingen Variant Classification Criteria Version 2. Collection method: clinical testing. Allele origin: germline. Affected: yes. Observed: 2 variant alleles.
Comment: ZNFX1: BP4, BP7

PreventionGenetics, part of Exact Sciences
Classification: Likely benign for ZNFX1-related condition. Last evaluated: 2023-05-05. Review status: no assertion criteria provided. Collection method: clinical testing. Allele origin: germline. Not counted in ClinVar's aggregate classification.
Comment: This variant is classified as likely benign based on ACMG/AMP sequence variant interpretation guidelines (Richards et al. 2015 PMID: 25741868, with internal and published modifications).

NM_021035.3(ZNFX1):c.3498C>T (p.Cys1166=)

Gene: ZNFX1 (zinc finger NFX1-type containing 1; minus strand). Cytogenetic location: 20q13.13.
Variant type: single nucleotide variant.
Coding change: c.3498C>T on transcript NM_021035.3 (MANE Select); coding-DNA position 3498, C replaced by T.
Protein change: p.Cys1166=; no amino-acid change (cysteine 1166 retained).
Molecular consequence: synonymous variant.
Genome position (GRCh38, 1-based): chr20:49,249,526, G>A on the plus strand (C>T on the coding strand, the complement: ZNFX1 is on the minus strand). VCF-style: chr20-49249526-G-A. GRCh37 (hg19) VCF-style: chr20-47866063-G-A.
Identifiers: ClinVar variation 3047955 (VCV003047955.12), dbSNP rs34059789, ClinGen allele CA9902031.